The following is an entry in ClinVar:

ClinVar aggregate classification (germline): Uncertain significance. Review status: criteria provided, multiple submitters, no conflicts (2 of 4 stars). 8 submissions from 8 submitters: Uncertain significance (8). Last evaluated 2025-10-13.

Conditions:
Malignant hyperthermia, susceptibility to, 1 (MHS1). Also called: Anesthesia related hyperthermia; Malignant hyperpyrexia; Fulminating hyperpyrexia; Pharmacogenic myopathy; Malignant hyperthermia suceptibility 1; RYR1-Related Malignant Hyperthermia Susceptibility. Identifiers: Orphanet 423, MedGen C2930980, MONDO:0007783, OMIM 145600.
Congenital myopathy with fiber type disproportion. Also called: Congenital fiber-type disproportion myopathy; Congenital fiber-type disproportion. Identifiers: Orphanet 2020, MedGen C0546264, MONDO:0009711. Inheritance: all.
Central core myopathy (CMYO1A). Also called: CONGENITAL MYOPATHY 1A, AUTOSOMAL DOMINANT, WITH SUSCEPTIBILITY TO MALIGNANT HYPERTHERMIA; Central core disease; Myopathy, central fibrillar. Identifiers: Orphanet 597, MedGen C5830701, MONDO:0007294, OMIM 117000.
Congenital multicore myopathy with external ophthalmoplegia (CMYO1B). Also called: Minicore myopathy with external ophthalmoplegia; MULTIMINICORE DISEASE WITH EXTERNAL OPHTHALMOPLEGIA; Congenital myopathy 1B, autosomal recessive; Minicore myopathy; MULTICORE MYOPATHY. Identifiers: Orphanet 598, Orphanet 98905, MedGen C1850674, MONDO:0009712, OMIM 255320, HP:0003789.
King Denborough syndrome (KDS). Identifiers: MedGen C1840365, MONDO:0020485, OMIM 619542.
RYR1-related disorder. Also called: RYR1-related condition; RYR1-related disorders. Identifiers: MedGen CN239331.

Allele frequency attached by ClinVar (database versions not stated): ExAC 0.00003; gnomAD 0.00004; TOPMed 0.00004.
gnomAD v4.1: 121 of 1,613,986 alleles (0.0075%); highest among the groups gnomAD compares: Non-Finnish European, 0.0096%; no homozygotes.

Submissions (8):

Labcorp Genetics (formerly Invitae), Labcorp
Classification: Uncertain significance for RYR1-related disorder. Last evaluated: 2025-10-13. Review status: criteria provided, single submitter. Criteria: Invitae Variant Classification Sherloc (09022015). Collection method: clinical testing. Allele origin: germline.
Comment: This sequence change replaces isoleucine, which is neutral and non-polar, with methionine, which is neutral and non-polar, at codon 4070 of the RYR1 protein (p.Ile4070Met). This variant is present in population databases (rs765758001, gnomAD 0.004%). This variant has not been reported in the literature in individuals affected with RYR1-related conditions. ClinVar contains an entry for this variant (Variation ID: 590397). Invitae Evidence Modeling of protein sequence and biophysical properties (such as structural, functional, and spatial information, amino acid conservation, physicochemical variation, residue mobility, and thermodynamic stability) indicates that this missense variant is not expected to disrupt RYR1 protein function with a negative predictive value of 80%. In summary, the available evidence is currently insufficient to determine the role of this variant in disease. Therefore, it has been classified as a Variant of Uncertain Significance.

All of Us Research Program, National Institutes of Health
Classification: Uncertain significance for Malignant hyperthermia, susceptibility to, 1. Last evaluated: 2024-08-06. Review status: criteria provided, single submitter. Criteria: ACMG Guidelines, 2015. Collection method: clinical testing. Allele origin: germline. Inheritance: Autosomal dominant inheritance. Observed: 13 variant alleles, 13 heterozygotes.
Comment: This missense variant replaces isoleucine with methionine at codon 4070 of the RYR1 protein. Computational prediction suggests that this variant may not impact protein structure and function (internally defined REVEL score threshold <= 0.5, PMID: 27666373). To our knowledge, functional studies have not been reported for this variant. This variant has not been reported in individuals affected with RYR1-related disorders in the literature. This variant has been identified in 6/282864 chromosomes in the general population by the Genome Aggregation Database (gnomAD). The available evidence is insufficient to determine the role of this variant in disease conclusively. Therefore, this variant is classified as a Variant of Uncertain Significance.

This study involves interpretation of variants in research participants for the purpose of population health screening. Participant phenotype was not available at the time of variant classification. Additional details can be found in publication PMID: 35346344, PMCID: PMC8962531

Blueprint Genetics
Classification: Uncertain significance. Last evaluated: 2024-03-13. Review status: criteria provided, single submitter. Criteria: ACMG Guidelines, 2015. Collection method: clinical testing. Allele origin: germline.

Color Diagnostics, LLC DBA Color Health
Classification: Uncertain significance for Malignant hyperthermia, susceptibility to, 1. Last evaluated: 2023-11-16. Review status: criteria provided, single submitter. Criteria: ACMG Guidelines, 2015. Collection method: clinical testing. Allele origin: germline.
Comment: This missense variant replaces isoleucine with methionine at codon 4070 of the RYR1 protein. Computational prediction suggests that this variant may not impact protein structure and function. To our knowledge, functional studies have not been reported for this variant. This variant has not been reported in individuals affected with RYR1-related disorders in the literature. This variant has been identified in 6/282864 chromosomes in the general population by the Genome Aggregation Database (gnomAD). The available evidence is insufficient to determine the role of this variant in disease conclusively. Therefore, this variant is classified as a Variant of Uncertain Significance.

Fulgent Genetics
Classification: Uncertain significance for Central core myopathy; Malignant hyperthermia, susceptibility to, 1; Congenital myopathy 4A, autosomal dominant; Congenital multicore myopathy with external ophthalmoplegia; King Denborough syndrome. Last evaluated: 2021-10-12. Review status: criteria provided, single submitter. Criteria: ACMG Guidelines, 2015. Collection method: clinical testing. Allele origin: unknown.

Revvity Omics, Revvity
Classification: Uncertain significance. Last evaluated: 2021-09-02. Review status: criteria provided, single submitter. Criteria: ACMG Guidelines, 2015. Collection method: clinical testing. Allele origin: germline.

GeneDx
Classification: Uncertain significance. Last evaluated: 2019-01-16. Review status: criteria provided, single submitter. Criteria: GeneDx Variant Classification Process June 2021. Collection method: clinical testing. Allele origin: germline. Affected: yes.
Comment: Has not been previously published as pathogenic or benign to our knowledge; Not observed at a significant frequency in large population cohorts (Lek et al., 2016); In silico analysis, which includes protein predictors and evolutionary conservation, supports that this variant does not alter protein structure/function

PreventionGenetics, part of Exact Sciences
Classification: Uncertain significance. Last evaluated: 2013-10-29. Review status: criteria provided, single submitter. Criteria: ACMG Guidelines, 2015. Collection method: clinical testing. Allele origin: germline.

NM_000540.3(RYR1):c.12210T>G (p.Ile4070Met)

Gene: RYR1 (ryanodine receptor 1; plus strand). Cytogenetic location: 19q13.2.
Variant type: single nucleotide variant.
Coding change: c.12210T>G on transcript NM_000540.3 (MANE Select); coding-DNA position 12210, T replaced by G.
Protein change: p.Ile4070Met; replaces isoleucine 4070 with methionine.
Molecular consequence: missense variant.
Genome position (GRCh38, 1-based): chr19:38,548,348, T>G. VCF-style: chr19-38548348-T-G. GRCh37 (hg19) VCF-style: chr19-39038988-T-G.
Other names: c.12195T>G, p.Ile4065Met (NM_001042723.2); short protein forms I4070M, I4065M.
Identifiers: ClinVar variation 590397 (VCV000590397.15), dbSNP rs765758001, ClinGen allele CA058447.